The following is an entry in ClinVar:

NM_002474.3(MYH11):c.5504+6C>T

Genes: NDE1 (nudE neurodevelopment protein 1; plus strand), MYH11 (myosin heavy chain 11; minus strand). Cytogenetic location: 16p13.11.
Variant type: single nucleotide variant.
Coding change: c.5504+6C>T on transcript NM_002474.3 (MANE Select); 6 bases into the intron after coding-DNA position 5504, C replaced by T.
Molecular consequence: intron variant.
Genome position (GRCh38, 1-based): chr16:15,717,134, G>A on the plus strand (C>T on the coding strand, the complement: MYH11 is on the minus strand). VCF-style: chr16-15717134-G-A. GRCh37 (hg19) VCF-style: chr16-15810991-G-A.
Other names: c.948-7057G>A (NM_001143979.2, NM_017668.3); c.5504+6C>T (NM_022844.3); c.5525+6C>T (NM_001040114.2, NM_001040113.2).
Identifiers: ClinVar variation 922656 (VCV000922656.7), dbSNP rs371348553, ClinGen allele CA7921251.
Genomic context (GRCh38, chr16:15,717,134, plus strand): 5'-TTCACTATGACTCCTGCTGTCCATCACCCCCCTGCAAACTGGGTTCGGAACTCCACACCC[G>A]CATACCTGGCCTCCTGCTCGACCTGCTCCTCCAGCTGTGCAATCTTGGCCTCCAGCGCCG-3'

ClinVar aggregate classification (germline): Conflicting classifications of pathogenicity. Review status: criteria provided, conflicting classifications (1 of 4 stars). 3 submissions from 3 submitters: Uncertain significance (2); Likely benign (1). Last evaluated 2022-06-02.

Conditions:
Megacystis-microcolon-intestinal hypoperistalsis syndrome 2. Identifiers: MedGen C5543476, MONDO:0025708, OMIM 619351.
Familial thoracic aortic aneurysm and aortic dissection (TAAD). Also called: Thoracic aortic aneurysms and dissections. Identifiers: Orphanet 91387, MedGen C4707243, MONDO:0019625.
Aortic aneurysm, familial thoracic 4 (AAT4). Also called: AORTIC ANEURYSM/AORTIC DISSECTION AND PATENT DUCTUS ARTERIOSUS. Identifiers: MedGen C1851504, MONDO:0007568, OMIM 132900.

Allele frequency attached by ClinVar (database versions not stated): ExAC 0.00001; TOPMed 0.00002.
gnomAD v4.1: 32 of 1,613,948 alleles (0.002%); highest among the groups gnomAD compares: Admixed American, 0.005%; no homozygotes.

Submissions (3):

Labcorp Genetics (formerly Invitae), Labcorp
Classification: Uncertain significance for Aortic aneurysm, familial thoracic 4. Last evaluated: 2022-06-02. Review status: criteria provided, single submitter. Criteria: Invitae Variant Classification Sherloc (09022015). Collection method: clinical testing. Allele origin: germline.
Comment: This sequence change falls in intron 39 of the MYH11 gene. It does not directly change the encoded amino acid sequence of the MYH11 protein. It affects a nucleotide within the consensus splice site. The frequency data for this variant in the population databases is considered unreliable, as metrics indicate poor data quality at this position in the gnomAD database. This variant has not been reported in the literature in individuals affected with MYH11-related conditions. ClinVar contains an entry for this variant (Variation ID: 922656). Variants that disrupt the consensus splice site are a relatively common cause of aberrant splicing (PMID: 17576681, 9536098). Algorithms developed to predict the effect of sequence changes on RNA splicing suggest that this variant is not likely to affect RNA splicing. In summary, the available evidence is currently insufficient to determine the role of this variant in disease. Therefore, it has been classified as a Variant of Uncertain Significance.

Women's Health and Genetics/Laboratory Corporation of America, LabCorp
Classification: Uncertain significance. Last evaluated: 2021-09-08. Review status: criteria provided, single submitter. Criteria: LabCorp Variant Classification Summary - May 2015. Collection method: clinical testing. Allele origin: germline.
Comment: Variant summary: MYH11 c.5525+6C>T alters a non-conserved nucleotide located close to a canonical splice site and therefore could affect mRNA splicing, leading to a significantly altered protein sequence. 4/4 computational tools predict no significant impact on normal splicing. However, these predictions have yet to be confirmed by functional studies. The variant allele was found at a frequency of 1.6e-05 in 250832 control chromosomes. The available data on variant occurrences in the general population are insufficient to allow any conclusion about variant significance. To our knowledge, no occurrence of c.5525+6C>T in individuals affected with Thoracic Aortic Aneurysms And Dissections and no experimental evidence demonstrating its impact on protein function have been reported. One clinical diagnostic laboratory has submitted clinical-significance assessments for this variant to ClinVar after 2014 without evidence for independent evaluation. One laboratory classified the variant as likely benign. Based on the evidence outlined above, the variant was classified as uncertain significance.

Color Diagnostics, LLC DBA Color Health
Classification: Likely benign for Familial thoracic aortic aneurysm and aortic dissection. Last evaluated: 2019-01-11. Review status: criteria provided, single submitter. Criteria: ACMG Guidelines, 2015. Collection method: clinical testing. Allele origin: germline.

Literature cited by the submitters: PubMed 17576681 (cited by Labcorp Genetics (formerly Invitae), Labcorp); PubMed 9536098 (cited by Labcorp Genetics (formerly Invitae), Labcorp).